The following is an entry in ClinVar:

NM_015631.6(TCTN3):c.853G>A (p.Val285Ile)

Gene: TCTN3 (tectonic family member 3; minus strand). Cytogenetic location: 10q24.1.
Variant type: single nucleotide variant.
Coding change: c.853G>A on transcript NM_015631.6 (MANE Select); coding-DNA position 853, G replaced by A.
Protein change: p.Val285Ile; replaces valine 285 with isoleucine.
Molecular consequence: missense variant.
Genome position (GRCh38, 1-based): chr10:95,686,530, C>T on the plus strand (G>A on the coding strand, the complement: TCTN3 is on the minus strand). VCF-style: chr10-95686530-C-T. GRCh37 (hg19) VCF-style: chr10-97446287-C-T.
Other names: c.907G>A, p.Val303Ile (NM_001013840.1); c.616G>A, p.Val206Ile (NM_001143973.2); c.853G>A, p.Val285Ile (NM_001410982.1); c.853G>A (NM_015631.5); short protein forms V206I, V285I, V303I.
Identifiers: ClinVar variation 2043322 (VCV002043322.5), dbSNP rs1351530754, ClinGen allele CA377706462.

ClinVar aggregate classification (germline): Uncertain significance. Review status: criteria provided, multiple submitters, no conflicts (2 of 4 stars). 2 submissions from 2 submitters: Uncertain significance (2). Last evaluated 2025-01-21.

Conditions:
Inborn genetic diseases. Identifiers: MedGen C0950123, MeSH D030342.
Joubert syndrome 18 (JBTS18). Identifiers: Orphanet 2754, MedGen C3553758, MONDO:0013896, OMIM 614815.
Orofacial-digital syndrome IV (OFD4). Also called: BARAITSER-BURN SYNDROME; OFD SYNDROME WITH TIBIAL DEFECTS; OFD SYNDROME, BARAITSER-BURN TYPE; OFDS IV; ORAL-FACIAL-DIGITAL SYNDROME, TYPE IV; Orofaciodigital syndrome IV. Identifiers: Orphanet 2753, MedGen C0406727, MONDO:0009794, OMIM 258860.

Allele frequency attached by ClinVar (database versions not stated): gnomAD 0.00001; gnomAD exomes 0.00001; TOPMed 0.00002.
gnomAD v4.1: 21 of 1,614,028 alleles (0.0013%); highest among the groups gnomAD compares: Non-Finnish European, 0.0018%; no homozygotes.

Submissions (2):

Ambry Genetics
Classification: Uncertain significance for Inborn genetic diseases. Last evaluated: 2025-01-21. Review status: criteria provided, single submitter. Criteria: Ambry Variant Classification Scheme 2023. Collection method: clinical testing. Allele origin: germline.

Labcorp Genetics (formerly Invitae), Labcorp
Classification: Uncertain significance for Joubert syndrome 18; Orofacial-digital syndrome IV. Last evaluated: 2024-08-14. Review status: criteria provided, single submitter. Criteria: Invitae Variant Classification Sherloc (09022015). Collection method: clinical testing. Allele origin: germline.
Comment: This sequence change replaces valine, which is neutral and non-polar, with isoleucine, which is neutral and non-polar, at codon 285 of the TCTN3 protein (p.Val285Ile). This variant is present in population databases (no rsID available, gnomAD 0.0009%). This variant has not been reported in the literature in individuals affected with TCTN3-related conditions. ClinVar contains an entry for this variant (Variation ID: 2043322). An algorithm developed to predict the effect of missense changes on protein structure and function outputs the following: PolyPhen-2: "Benign". The isoleucine amino acid residue is found in multiple mammalian species, which suggests that this missense change does not adversely affect protein function. Algorithms developed to predict the effect of sequence changes on RNA splicing suggest that this variant may disrupt the consensus splice site. In summary, the available evidence is currently insufficient to determine the role of this variant in disease. Therefore, it has been classified as a Variant of Uncertain Significance.